The following is an entry in ClinVar:

ClinVar aggregate classification (germline): Uncertain significance. Review status: criteria provided, multiple submitters, no conflicts (2 of 4 stars). 2 submissions from 2 submitters: Uncertain significance (2). Last evaluated 2025-11-10.

Conditions:
Inborn genetic diseases. Identifiers: MedGen C0950123, MeSH D030342.
Baller-Gerold syndrome (BGS). Also called: CRANIOSYNOSTOSIS WITH RADIAL DEFECTS. Identifiers: Orphanet 1225, MedGen C0265308, MONDO:0009039, OMIM 218600.

Allele frequency attached by ClinVar (database versions not stated): gnomAD 0.00001.
gnomAD v4.1: 2 of 1,611,776 alleles (0.00012%); highest among the groups gnomAD compares: Admixed American, 0.0017%; no homozygotes.

Submissions (2):

Labcorp Genetics (formerly Invitae), Labcorp
Classification: Uncertain significance for Baller-Gerold syndrome. Last evaluated: 2025-11-10. Review status: criteria provided, single submitter. Criteria: Invitae Variant Classification Sherloc (09022015). Collection method: clinical testing. Allele origin: germline.
Comment: This sequence change replaces serine, which is neutral and polar, with phenylalanine, which is neutral and non-polar, at codon 531 of the RECQL4 protein (p.Ser531Phe). This variant is not present in population databases (gnomAD no frequency). This variant has not been reported in the literature in individuals affected with RECQL4-related conditions. ClinVar contains an entry for this variant (Variation ID: 846634). Invitae Evidence Modeling of protein sequence and biophysical properties (such as structural, functional, and spatial information, amino acid conservation, physicochemical variation, residue mobility, and thermodynamic stability) indicates that this missense variant is expected to disrupt RECQL4 protein function with a positive predictive value of 80%. In summary, the available evidence is currently insufficient to determine the role of this variant in disease. Therefore, it has been classified as a Variant of Uncertain Significance.

Ambry Genetics
Classification: Uncertain significance for Inborn genetic diseases. Last evaluated: 2025-08-24. Review status: criteria provided, single submitter. Criteria: Ambry Variant Classification Scheme 2023. Collection method: clinical testing. Allele origin: germline.
Comment: The p.S531F variant (also known as c.1592C>T), located in coding exon 9 of the RECQL4 gene, results from a C to T substitution at nucleotide position 1592. The serine at codon 531 is replaced by phenylalanine, an amino acid with highly dissimilar properties. This amino acid position is conserved. In addition, this alteration is predicted to be deleterious by in silico analysis. Based on the available evidence, the clinical significance of this variant remains unclear.

NM_004260.4(RECQL4):c.1592C>T (p.Ser531Phe)

Gene: RECQL4 (RecQ like helicase 4; minus strand). Cytogenetic location: 8q24.3.
Variant type: single nucleotide variant.
Coding change: c.1592C>T on transcript NM_004260.4 (MANE Select); coding-DNA position 1592, C replaced by T.
Protein change: p.Ser531Phe; replaces serine 531 with phenylalanine.
Molecular consequence: missense variant.
Genome position (GRCh38, 1-based): chr8:144,514,964, G>A on the plus strand (C>T on the coding strand, the complement: RECQL4 is on the minus strand). VCF-style: chr8-144514964-G-A. GRCh37 (hg19) VCF-style: chr8-145740348-G-A.
Other names: short protein forms S531F.
Identifiers: ClinVar variation 846634 (VCV000846634.8), dbSNP rs774637277, ClinGen allele CA372683549.